The following is an entry in ClinVar:

ClinVar aggregate classification (germline): Uncertain significance. Review status: criteria provided, multiple submitters, no conflicts (2 of 4 stars). 3 submissions from 3 submitters: Uncertain significance (3). Last evaluated 2025-10-29.

Conditions:
Long QT syndrome (LQTS). Identifiers: MedGen C0023976, MeSH D008133, MONDO:0002442. Disease mechanism: loss of function. Inheritance: Various modes of inheritance.

Allele frequency attached by ClinVar (database versions not stated): TOPMed below 0.00001; ExAC 0.00002; gnomAD exomes 0.00001.

Submissions (3):

Labcorp Genetics (formerly Invitae), Labcorp
Classification: Uncertain significance for Long QT syndrome. Last evaluated: 2025-10-29. Review status: criteria provided, single submitter. Criteria: Invitae Variant Classification Sherloc (09022015). Collection method: clinical testing. Allele origin: germline.
Comment: This sequence change replaces alanine, which is neutral and non-polar, with serine, which is neutral and polar, at codon 746 of the KCNH2 protein (p.Ala746Ser). This variant is present in population databases (rs751681463, gnomAD 0.002%). This variant has not been reported in the literature in individuals affected with KCNH2-related conditions. ClinVar contains an entry for this variant (Variation ID: 222671). An algorithm developed to predict the effect of missense changes on protein structure and function (PolyPhen-2) suggests that this variant is likely to be tolerated. In summary, the available evidence is currently insufficient to determine the role of this variant in disease. Therefore, it has been classified as a Variant of Uncertain Significance.

All of Us Research Program, National Institutes of Health
Classification: Uncertain significance for Long QT syndrome. Last evaluated: 2023-12-18. Review status: criteria provided, single submitter. Criteria: ACMG Guidelines, 2015. Collection method: clinical testing. Allele origin: germline. Inheritance: Autosomal dominant inheritance. Observed: 1 variant allele, 1 heterozygote.
Comment: This missense variant replaces alanine with serine at codon 746 of the KCNH2 protein. Computational prediction is inconclusive regarding the impact of this variant on protein structure and function (internally defined REVEL score threshold 0.5 < inconclusive < 0.7, PMID: 27666373). To our knowledge, functional studies have not been reported for this variant. This variant has not been reported in individuals affected with KCNH2-related disorders in the literature. This variant has been identified in 3/250060 chromosomes in the general population by the Genome Aggregation Database (gnomAD). The available evidence is insufficient to determine the role of this variant in disease conclusively. Therefore, this variant is classified as a Variant of Uncertain Significance.

This study involves interpretation of variants in research participants for the purpose of population health screening. Participant phenotype was not available at the time of variant classification. Additional details can be found in publication PMID: 35346344, PMCID: PMC8962531

GeneDx
Classification: Uncertain significance. Last evaluated: 2022-10-18. Review status: criteria provided, single submitter. Criteria: GeneDx Variant Classification Process June 2021. Collection method: clinical testing. Allele origin: germline. Affected: yes.
Comment: Has not been previously published as pathogenic or benign to our knowledge; Not observed at a significant frequency in large population cohorts (gnomAD); In silico analysis supports that this missense variant does not alter protein structure/function

NM_000238.4(KCNH2):c.2236G>T (p.Ala746Ser)

Gene: KCNH2 (potassium voltage-gated channel subfamily H member 2; minus strand). Cytogenetic location: 7q36.1.
Variant type: single nucleotide variant.
Coding change: c.2236G>T on transcript NM_000238.4 (MANE Select); coding-DNA position 2236, G replaced by T.
Protein change: p.Ala746Ser; replaces alanine 746 with serine.
Molecular consequence: missense variant.
Genome position (GRCh38, 1-based): chr7:150,950,330, C>A on the plus strand (G>T on the coding strand, the complement: KCNH2 is on the minus strand). VCF-style: chr7-150950330-C-A. GRCh37 (hg19) VCF-style: chr7-150647418-C-A.
Other names: c.1216G>T, p.Ala406Ser (NM_001204798.2, NM_172057.3); c.1948G>T, p.Ala650Ser (NM_001406753.1, NM_001406756.1); c.2059G>T, p.Ala687Ser (NM_001406755.1); c.1936G>T, p.Ala646Ser (NM_001406757.1); c.2236G>T, p.Ala746Ser (NM_172056.3); short protein forms A406S, A746S, A646S, A687S, A650S.
Identifiers: ClinVar variation 222671 (VCV000222671.10), dbSNP rs751681463, ClinGen allele CA031413.